The following is an entry in ClinVar:

NM_004991.4(MECOM):c.3190G>C (p.Glu1064Gln)

Gene: MECOM (MDS1 and EVI1 complex locus; minus strand). Cytogenetic location: 3q26.2.
Variant type: single nucleotide variant.
Coding change: c.3190G>C on transcript NM_004991.4 (MANE Select); coding-DNA position 3190, G replaced by C.
Protein change: p.Glu1064Gln; replaces glutamic acid 1064 with glutamine.
Molecular consequence: missense variant.
Genome position (GRCh38, 1-based): chr3:169,090,211, C>G on the plus strand (G>C on the coding strand, the complement: MECOM is on the minus strand). VCF-style: chr3-169090211-C-G. GRCh37 (hg19) VCF-style: chr3-168807999-C-G.
Other names: c.2602G>C, p.Glu868Gln (NM_001163999.2, NM_001366470.2); c.2599G>C, p.Glu867Gln (NM_001164000.2, NM_001366471.2, NM_001366472.2); c.2626G>C, p.Glu876Gln (NM_001205194.2, NM_001366469.2, NM_005241.4 and 1 more transcripts); c.3163G>C, p.Glu1055Gln (NM_001366466.2); c.2629G>C, p.Glu877Gln (NM_001366467.2, NM_001366468.2); c.2191G>C, p.Glu731Gln (NM_001366473.2); c.1627G>C, p.Glu543Gln (NM_001366474.2); c.2821G>C, p.Glu941Gln (NM_001105077.4); short protein forms E876Q, E877Q, E867Q, E941Q, E1055Q, E1064Q, E731Q, E543Q.
Identifiers: ClinVar variation 5024136 (VCV005024136.1).
Genomic context (GRCh38, chr3:169,090,211, plus strand): 5'-CATCTTCAACTTCTTCATCATCCAGCAAGTCTGAATTTTGACTGGTCACCAAAGCCTTTT[C>G]ATCTTTAAAATGACTGCCATTCATTCTTTCAAAAGCATTAAAAAAAAAGTCCAATTGTTG-3'
Protein context (NP_004982.2, residues 1054-1074): ERMNGSHFKD[Glu1064Gln]KALVTSQNSD

ClinVar aggregate classification (germline): Uncertain significance (1 of 4 stars; one submission).

Conditions:
Inborn genetic diseases. Identifiers: MedGen C0950123, MeSH D030342.

gnomAD v4.1: 2 of 1,611,310 alleles (0.00012%); highest among the groups gnomAD compares: Non-Finnish European, 0.000085%; no homozygotes.

Submission:

Ambry Genetics
Classification: Uncertain significance for Inborn genetic diseases. Last evaluated: 2026-07-16. Review status: criteria provided, single submitter. Criteria: Ambry Variant Classification Scheme 2023. Collection method: clinical testing. Allele origin: germline.
Comment: The p.E1064Q variant (also known as c.3190G>C), located in coding exon 15 of the MECOM gene, results from a G to C substitution at nucleotide position 3190. The glutamic acid at codon 1064 is replaced by glutamine, an amino acid with highly similar properties. This amino acid position is conserved. In addition, this alteration is predicted to be tolerated by in silico analysis. Based on the available evidence, the clinical significance of this variant remains unclear.